The following is an entry in ClinVar:

ClinVar aggregate classification (germline): Likely benign. Review status: criteria provided, multiple submitters, no conflicts (2 of 4 stars). 2 submissions from 2 submitters: Likely benign (2). Last evaluated 2026-02-01.

Submissions (2):

CeGaT Center for Human Genetics Tuebingen
Classification: Likely benign. Last evaluated: 2026-02-01. Review status: criteria provided, single submitter. Criteria: CeGaT Center For Human Genetics Tuebingen Variant Classification Criteria Version 2. Collection method: clinical testing. Allele origin: germline. Affected: yes. Observed: 1 variant allele.
Comment: CAD: PM2:Supporting, BP4, BP7

Labcorp Genetics (formerly Invitae), Labcorp
Classification: Likely benign. Last evaluated: 2023-03-01. Review status: criteria provided, single submitter. Criteria: Invitae Variant Classification Sherloc (09022015). Collection method: clinical testing. Allele origin: germline.

NM_004341.5(CAD):c.4527C>A (p.Pro1509=)

Gene: CAD (carbamoyl-phosphate synthetase 2, aspartate transcarbamylase, and dihydroorotase; plus strand). Cytogenetic location: 2p23.3.
Variant type: single nucleotide variant.
Coding change: c.4527C>A on transcript NM_004341.5 (MANE Select); coding-DNA position 4527, C replaced by A.
Protein change: p.Pro1509=; no amino-acid change (proline 1509 retained).
Molecular consequence: synonymous variant.
Genome position (GRCh38, 1-based): chr2:27,237,509, C>A. VCF-style: chr2-27237509-C-A. GRCh37 (hg19) VCF-style: chr2-27460377-C-A.
Other names: c.4338C>A, p.Pro1446= (NM_001306079.2).
Identifiers: ClinVar variation 2095867 (VCV002095867.8), dbSNP rs1676071474, ClinGen allele CA425385839.
Genomic context (GRCh38, chr2:27,237,509, plus strand): 5'-AGCCGCTGCCCTGGCTGGGGGTATCACCATGGTGTGTGCCATGCCTAATACCCGGCCCCC[C>A]ATCATTGACGCCCCTGCTCTGGCCCTGGCCCAGAAGGTGAGCCACTGCACTCTTCCTGGT-3'
Protein context (NP_004332.2, residues 1499-1519): MVCAMPNTRP[Pro1509=]IIDAPALALA